The following is an entry in ClinVar:

ClinVar aggregate classification (germline): Uncertain significance (1 of 4 stars; one submission).

Conditions:
Hereditary breast ovarian cancer syndrome. Also called: Hereditary breast and ovarian cancer syndrome; Hereditary breast and/or ovarian cancer syndrome; Hereditary breast and ovarian cancer syndrome (HBOC); Hereditary breast and ovarian cancer; Breast and ovarian cancer; BRCA1- and BRCA2-Associated Hereditary Breast and Ovarian Cancer. Identifiers: Orphanet 145, MedGen C0677776, MeSH D061325, MONDO:0003582. Disease mechanism: loss of function.

Allele frequency attached by ClinVar (database versions not stated): gnomAD exomes below 0.00001; TOPMed 0.00001.
gnomAD v4.1: 1 of 1,585,846 alleles (0.000063%); highest among the groups gnomAD compares: African/African-American, 0.0013%; no homozygotes.

Submission:

Labcorp Genetics (formerly Invitae), Labcorp
Classification: Uncertain significance for Hereditary breast ovarian cancer syndrome. Last evaluated: 2025-09-10. Review status: criteria provided, single submitter. Criteria: Invitae Variant Classification Sherloc (09022015). Collection method: clinical testing. Allele origin: germline.
Comment: This variant occurs in a non-coding region of the BRCA2 gene. It does not change the encoded amino acid sequence of the BRCA2 protein. This variant is not present in population databases (gnomAD no frequency). This variant has not been reported in the literature in individuals affected with BRCA2-related conditions. ClinVar contains an entry for this variant (Variation ID: 2189608). Experimental studies and prediction algorithms are not available or were not evaluated, and the functional significance of this variant is currently unknown. In summary, the available evidence is currently insufficient to determine the role of this variant in disease. Therefore, it has been classified as a Variant of Uncertain Significance.

NM_000059.4(BRCA2):c.-36T>C

Gene: BRCA2 (BRCA2 DNA repair associated; plus strand). Cytogenetic location: 13q13.1.
Variant type: single nucleotide variant.
Coding change: c.-36T>C on transcript NM_000059.4 (MANE Select); 36 bases upstream of the start codon, T replaced by C.
Molecular consequence: 5 prime UTR variant.
Genome position (GRCh38, 1-based): chr13:32,316,425, T>C. VCF-style: chr13-32316425-T-C. GRCh37 (hg19) VCF-style: chr13-32890562-T-C.
Other names: c.-36T>C (NM_001406719.1, NM_001406720.1, NM_001406721.1).
Identifiers: ClinVar variation 2189608 (VCV002189608.4), dbSNP rs1327232260, ClinGen allele CA697324427.
Genomic context (GRCh38, chr13:32,316,425, plus strand): 5'-GTCACATAATAAGGAATGCATCCCTGTGTAAGTGCATTTTGGTCTTCTGTTTTGCAGACT[T>C]ATTTACCAAGCATTGGAGGAATATCGTAGGTAAAAATGCCTATTGGATCCAAAGAGAGGC-3'